The following is an entry in ClinVar:

ClinVar aggregate classification (germline): Uncertain significance (1 of 4 stars; one submission).

Conditions:
Peroxisome biogenesis disorder 7A (Zellweger). Also called: Peroxisome biogenesis disorder 7A. Identifiers: Orphanet 912, MedGen C3888385, MONDO:0013938, OMIM 614872.
Peroxisome biogenesis disorder 7B (PBD7B). Identifiers: Orphanet 44, MedGen C3553951, MONDO:0013939, OMIM 614873.

Allele frequency attached by ClinVar (database versions not stated): gnomAD 0.00001; TOPMed below 0.00001.
gnomAD v4.1: 27 of 1,594,310 alleles (0.0017%); highest among the groups gnomAD compares: Non-Finnish European, 0.0023%; no homozygotes.

Submission:

Labcorp Genetics (formerly Invitae), Labcorp
Classification: Uncertain significance for Peroxisome biogenesis disorder 7A (Zellweger); Peroxisome biogenesis disorder 7B. Last evaluated: 2021-08-12. Review status: criteria provided, single submitter. Criteria: Invitae Variant Classification Sherloc (09022015). Collection method: clinical testing. Allele origin: germline.
Comment: This sequence change replaces leucine with histidine at codon 12 of the PEX26 protein (p.Leu12His). The leucine residue is highly conserved and there is a moderate physicochemical difference between leucine and histidine. This variant is not present in population databases (ExAC no frequency). This variant has not been reported in the literature in individuals affected with PEX26-related conditions. Algorithms developed to predict the effect of missense changes on protein structure and function are either unavailable or do not agree on the potential impact of this missense change (SIFT: "Deleterious"; PolyPhen-2: "Possibly Damaging"; Align-GVGD: "Class C0"). In summary, the available evidence is currently insufficient to determine the role of this variant in disease. Therefore, it has been classified as a Variant of Uncertain Significance.

NM_001127649.3(PEX26):c.35T>A (p.Leu12His)

Gene: PEX26 (peroxisomal biogenesis factor 26; plus strand). Cytogenetic location: 22q11.21.
Variant type: single nucleotide variant.
Coding change: c.35T>A on transcript NM_001127649.3 (MANE Select); coding-DNA position 35, T replaced by A.
Protein change: p.Leu12His; replaces leucine 12 with histidine.
Molecular consequence: missense variant.
Genome position (GRCh38, 1-based): chr22:18,078,411, T>A. VCF-style: chr22-18078411-T-A. GRCh37 (hg19) VCF-style: chr22-18561177-T-A.
Other names: c.35T>A, p.Leu12His (NM_017929.6, NM_001199319.2); short protein forms L12H.
Identifiers: ClinVar variation 1351402 (VCV001351402.3), dbSNP rs1476091565, ClinGen allele CA410264138.